The following is an entry in ClinVar:

ClinVar aggregate classification (germline): Likely pathogenic (1 of 4 stars; one submission).

Conditions:
Xeroderma pigmentosum (XP). Identifiers: Orphanet 910, MedGen C0043346, MONDO:0019600.

Submission:

Women's Health and Genetics/Laboratory Corporation of America, LabCorp
Classification: Likely pathogenic for Xeroderma pigmentosum. Last evaluated: 2022-11-09. Review status: criteria provided, single submitter. Criteria: LabCorp Variant Classification Summary - May 2015. Collection method: clinical testing. Allele origin: germline.
Comment: Variant summary: The variant identified by MLPA or other technology involves the deletion of exon 12 to partial exon 16 in the XPC gene. A presumed nomenclature of c.(2115+1_2116-1)_2734del has been designated for the purposes of this classification. Although exact breakpoints of this deletion are not known, it is expected to result in an absent or disrupted XPC protein product, a known mechanism of disease. The variant was absent in 21694 control chromosomes (gnomAD SV, Structural Variants dataset). To our knowledge, no occurrence of c.(2115+1_2116-1)_2734del in individuals affected with Xeroderma Pigmentosum and no experimental evidence demonstrating its impact on protein function have been reported. No clinical diagnostic laboratories have submitted clinical-significance assessments for this variant to ClinVar after 2014. Based on the evidence outlined above, the variant was classified as likely pathogenic.

NC_000003.11:g.14187530_(14190449_14193834)del

Gene: XPC (XPC complex subunit, DNA damage recognition and repair factor; minus strand).
Variant type: Deletion.
Identifiers: ClinVar variation 1878422 (VCV001878422.1).